The following is an entry in ClinVar:

ClinVar aggregate classification (germline): Pathogenic (1 of 4 stars; one submission).

Conditions:
Autosomal dominant nonsyndromic hearing loss 1. Also called: KONIGSMARK SYNDROME; DEAFNESS, AUTOSOMAL DOMINANT 1, WITH OR WITHOUT THROMBOCYTOPENIA. Identifiers: Orphanet 90635, MedGen C1852282, MONDO:0007424, OMIM 124900.
Progressive microcephaly-seizures-cortical blindness-developmental delay syndrome. Also called: Seizures, cortical blindness, and microcephaly syndrome. Identifiers: Orphanet 477814, MedGen C5567650, MONDO:0014714, OMIM 616632.

Submission:

Labcorp Genetics (formerly Invitae), Labcorp
Classification: Pathogenic for Progressive microcephaly-seizures-cortical blindness-developmental delay syndrome; Autosomal dominant nonsyndromic hearing loss 1. Last evaluated: 2024-11-19. Review status: criteria provided, single submitter. Criteria: Invitae Variant Classification Sherloc (09022015). Collection method: clinical testing. Allele origin: germline.
Comment: This sequence change creates a premature translational stop signal (p.Pro703Hisfs*65) in the DIAPH1 gene. It is expected to result in an absent or disrupted protein product. Loss-of-function variants in DIAPH1 are known to be pathogenic (PMID: 24781755, 26463574). The frequency data for this variant in the population databases is considered unreliable, as metrics indicate poor data quality at this position in the gnomAD database. This variant has not been reported in the literature in individuals affected with DIAPH1-related conditions. For these reasons, this variant has been classified as Pathogenic.

Literature cited by the submitters: PubMed 24781755; PubMed 26463574.

NM_005219.5(DIAPH1):c.2108del (p.Pro703fs)

Gene: DIAPH1 (diaphanous related formin 1; minus strand). Cytogenetic location: 5q31.3.
Variant type: Deletion.
Coding change: c.2108del on transcript NM_005219.5 (MANE Select); coding-DNA position 2108, one base deleted (C; older notation c.2108delC).
Protein change: p.Pro703fs; shifts the reading frame from proline 703.
Molecular consequence: frameshift variant.
Genome position (GRCh38, 1-based): chr5:141,573,742, G deleted on the plus strand (C on the coding strand, the reverse complement: DIAPH1 is on the minus strand); the first of 8 consecutive G bases (chr5:141,573,742-141,573,749); deleting any one gives the same sequence. VCF-style (leftmost placement, unchanged base first): chr5-141573741-TG-T. GRCh37 (hg19) VCF-style: chr5-140953308-TG-T.
Other names: c.2108del, p.Pro703fs (NM_001314007.2); c.2081del, p.Pro694fs (NM_001079812.3); short protein forms P694fs, P703fs.
Identifiers: ClinVar variation 3754264 (VCV003754264.2).